The following is an entry in ClinVar:

ClinVar aggregate classification (germline): Conflicting classifications of pathogenicity. Review status: criteria provided, conflicting classifications (1 of 4 stars). 3 submissions from 3 submitters: Uncertain significance (2); Likely benign (1). Last evaluated 2026-06-26.

Conditions:
Sick sinus syndrome 2, autosomal dominant (SSS2). Also called: SINUS BRADYCARDIA SYNDROME, FAMILIAL, AUTOSOMAL DOMINANT; SINUS NODE DISEASE, FAMILIAL, AUTOSOMAL DOMINANT; ATRIAL FIBRILLATION WITH BRADYARRHYTHMIA; SICK SINUS SYNDROME 2; SICK SINUS SYNDROME 2 WITH OR WITHOUT CARDIAC NONCOMPACTION AND/OR ASCENDING AORTA DILATION. Identifiers: Orphanet 166282, MedGen C1834144, MONDO:0008102, OMIM 163800.
Cardiovascular phenotype. Identifiers: MedGen CN230736.
Brugada syndrome 8 (BRGDA8). Identifiers: Orphanet 130, MedGen C2751083, MONDO:0013148, OMIM 613123.

Submissions (3):

Ambry Genetics
Classification: Likely benign for Cardiovascular phenotype. Last evaluated: 2026-06-26. Review status: criteria provided, single submitter. Criteria: Ambry Variant Classification Scheme 2023. Collection method: clinical testing. Allele origin: germline.

Clinical Genomics Laboratory, Stanford Medicine
Classification: Uncertain significance for Sick sinus syndrome 2, autosomal dominant. Last evaluated: 2023-06-07. Review status: criteria provided, single submitter. Criteria: ACMG Guidelines, 2015. Collection method: clinical testing. Allele origin: germline. Observed: 1 variant allele, 1 heterozygote.
Comment: The p.Ala863Ser variant in the HCN4 gene has been previously reported in 1 individual with dilated cardiomyopathy (Yildirim et al., 2022). This variant was absent from large population databases, including the Genome Aggregation Database. This variant is present in ClinVar (Variation ID: 573236). Computational tools predict that this variant does not impact protein function; however, the accuracy of in silico algorithms is limited. These data were assessed using the ACMG/AMP variant interpretation guidelines. In summary, the significance of the p.Ala863Ser variant is uncertain. Additional information is needed to resolve the significance of this variant. [ACMG evidence codes used: PM2; BP4]

Labcorp Genetics (formerly Invitae), Labcorp
Classification: Uncertain significance for Brugada syndrome 8. Last evaluated: 2018-03-28. Review status: criteria provided, single submitter. Criteria: Invitae Variant Classification Sherloc (09022015). Collection method: clinical testing. Allele origin: germline.
Comment: In summary, the available evidence is currently insufficient to determine the role of this variant in disease. Therefore, it has been classified as a Variant of Uncertain Significance. Algorithms developed to predict the effect of missense changes on protein structure and function do not agree on the potential impact of this missense change (SIFT: "Tolerated"; PolyPhen-2: "Benign"; Align-GVGD: "Class C25"). This variant has not been reported in the literature in individuals with HCN4-related disease. This variant is not present in population databases (ExAC no frequency). This sequence change replaces alanine with serine at codon 863 of the HCN4 protein (p.Ala863Ser). The alanine residue is highly conserved and there is a moderate physicochemical difference between alanine and serine.

Literature cited by the submitters: PubMed 36332467 (cited by Ambry Genetics and Clinical Genomics Laboratory, Stanford Medicine).

NM_005477.3(HCN4):c.2587G>T (p.Ala863Ser)

Gene: HCN4 (hyperpolarization activated cyclic nucleotide gated potassium channel 4; minus strand). Cytogenetic location: 15q24.1.
Variant type: single nucleotide variant.
Coding change: c.2587G>T on transcript NM_005477.3 (MANE Select); coding-DNA position 2587, G replaced by T.
Protein change: p.Ala863Ser; replaces alanine 863 with serine.
Molecular consequence: missense variant.
Genome position (GRCh38, 1-based): chr15:73,323,506, C>A on the plus strand (G>T on the coding strand, the complement: HCN4 is on the minus strand). VCF-style: chr15-73323506-C-A. GRCh37 (hg19) VCF-style: chr15-73615847-C-A.
Other names: short protein forms A863S.
Identifiers: ClinVar variation 573236 (VCV000573236.10), dbSNP rs767354516, ClinGen allele CA272664581.